The following is an entry in ClinVar:

ClinVar aggregate classification (germline): Uncertain significance (1 of 4 stars; one submission).

Allele frequency attached by ClinVar (database versions not stated): ExAC 0.00001; gnomAD exomes 0.00001 and 0.00002; TOPMed 0.00002; gnomAD 0.00003.
gnomAD v4.1: 19 of 1,613,868 alleles (0.0012%); highest among the groups gnomAD compares: African/African-American, 0.0027%; no homozygotes.

Submission:

Labcorp Genetics (formerly Invitae), Labcorp
Classification: Uncertain significance. Last evaluated: 2022-10-24. Review status: criteria provided, single submitter. Criteria: Invitae Variant Classification Sherloc (09022015). Collection method: clinical testing. Allele origin: germline.
Comment: ClinVar contains an entry for this variant (Variation ID: 1008628). This variant has not been reported in the literature in individuals affected with PDE10A-related conditions. This variant is present in population databases (rs762355147, gnomAD 0.004%). This sequence change replaces proline, which is neutral and non-polar, with serine, which is neutral and polar, at codon 140 of the PDE10A protein (p.Pro140Ser). Algorithms developed to predict the effect of missense changes on protein structure and function (SIFT, PolyPhen-2, Align-GVGD) all suggest that this variant is likely to be tolerated. In summary, the available evidence is currently insufficient to determine the role of this variant in disease. Therefore, it has been classified as a Variant of Uncertain Significance.

NM_001385079.1(PDE10A):c.1216C>T (p.Pro406Ser)

Gene: PDE10A (phosphodiesterase 10A; minus strand). Cytogenetic location: 6q27.
Variant type: single nucleotide variant.
Coding change: c.1216C>T on transcript NM_001385079.1 (MANE Select); coding-DNA position 1216, C replaced by T.
Protein change: p.Pro406Ser; replaces proline 406 with serine.
Molecular consequence: missense variant.
Genome position (GRCh38, 1-based): chr6:165,435,356, G>A on the plus strand (C>T on the coding strand, the complement: PDE10A is on the minus strand). VCF-style: chr6-165435356-G-A. GRCh37 (hg19) VCF-style: chr6-165848844-G-A.
Other names: c.418C>T, p.Pro140Ser (NM_001130690.3); c.388C>T, p.Pro130Ser (NM_006661.4); short protein forms P130S, P140S, P406S.
Identifiers: ClinVar variation 1008628 (VCV001008628.8), dbSNP rs762355147, ClinGen allele CA4092466.
Genomic context (GRCh38, chr6:165,435,356, plus strand): 5'-TGGTGCCCTGAGTGATGGGCCCAGCAGGGATGAGGCGGGGTTTTCCTTCCTTTATCCCAG[G>A]TGGCGTGAATATACACAGGCTCTAGGGAGAAGAAAAGATGTTTTACAGACTTTCCTGTAC-3'
Protein context (NP_001372008.1, residues 396-416): CNNSLCIFTP[Pro406Ser]GIKEGKPRLI